The following is an entry in ClinVar:

ClinVar aggregate classification (germline): Benign. Review status: reviewed by expert panel (3 of 4 stars). 30 submissions from 30 submitters: Benign (1). 29 of the submissions do not count toward it. Last evaluated 2015-01-12.

Conditions:
Fanconi anemia, complementation group S (FANCS). Identifiers: MedGen C4554406, MONDO:0054748, OMIM 617883.
Breast-ovarian cancer, familial, susceptibility to, 1 (BROVCA1). Also called: OVARIAN CANCER, SUSCEPTIBILITY TO; BRCA1 Hereditary Breast and Ovarian Cancer. Identifiers: Orphanet 145, MedGen C2676676, MONDO:0011450, OMIM 604370. Disease mechanism: loss of function.
Familial cancer of breast. Also called: Hereditary breast cancer; BREAST CANCER, FAMILIAL; hereditary breast carcinoma. Identifiers: Orphanet 227535, MedGen C0346153, MONDO:0016419, OMIM 114480. Disease mechanism: loss of function.
Pancreatic cancer, susceptibility to, 4. Identifiers: Orphanet 1333, MedGen C3280442, MONDO:0013685, OMIM 614320.
Hereditary cancer-predisposing syndrome. Also called: Neoplastic Syndromes, Hereditary; Tumor predisposition; Hereditary Cancer Syndrome; Hereditary neoplastic syndrome. Identifiers: Orphanet 140162, MedGen C0027672, MeSH D009386, MONDO:0015356.
Hereditary breast ovarian cancer syndrome. Also called: Hereditary breast and/or ovarian cancer syndrome; Hereditary breast and ovarian cancer syndrome; Hereditary breast and ovarian cancer; Hereditary breast and ovarian cancer syndrome (HBOC); Breast and ovarian cancer; BRCA1- and BRCA2-Associated Hereditary Breast and Ovarian Cancer. Identifiers: Orphanet 145, MedGen C0677776, MeSH D061325, MONDO:0003582. Disease mechanism: loss of function.
Malignant tumor of breast. Also called: Malignant breast neoplasm; Cancer breast. Identifiers: MedGen C0006142, MONDO:0007254. Disease mechanism: loss of function.

Allele frequency attached by ClinVar (database versions not stated): 1000 Genomes Project 0.00559; 1000 Genomes Project 30x 0.00640; gnomAD exomes 0.00120; ExAC 0.00141; TOPMed 0.00425; gnomAD 0.00431 and 0.00464; ESP Exome Variant Server 0.00507.

Submissions 1 to 24 of 34:

Evidence-based Network for the Interpretation of Germline Mutant Alleles (ENIGMA)
Classification: Benign for Breast-ovarian cancer, familial 1. Last evaluated: 2015-01-12. Review status: reviewed by expert panel. Criteria: ENIGMA BRCA1/2 Classification Criteria (2015). Collection method: curation. Allele origin: germline.
Comment: Class 1 not pathogenic based on frequency >1% in an outbred sampleset. Frequency 0.01626 (African), derived from 1000 genomes (2012-04-30).

CeGaT Center for Human Genetics Tuebingen
Classification: Likely benign. Last evaluated: 2026-09-01. Review status: criteria provided, single submitter. Criteria: CeGaT Center For Human Genetics Tuebingen Variant Classification Criteria Version 2. Collection method: clinical testing. Allele origin: germline. Affected: yes. Observed: 9 variant alleles. Not counted in ClinVar's aggregate classification.
Comment: BRCA1: BS1

Labcorp Genetics (formerly Invitae), Labcorp
Classification: Benign for Hereditary breast ovarian cancer syndrome. Last evaluated: 2026-02-04. Review status: criteria provided, single submitter. Criteria: Invitae Variant Classification Sherloc (09022015). Collection method: clinical testing. Allele origin: germline. Not counted in ClinVar's aggregate classification.

ARUP Laboratories, Molecular Genetics and Genomics, ARUP Laboratories
Classification: Benign. Last evaluated: 2025-06-23. Review status: criteria provided, single submitter. Criteria: ARUP Molecular Germline Variant Investigation Process 2024. Collection method: clinical testing. Allele origin: germline. Not counted in ClinVar's aggregate classification.

Center for Genomic Medicine, Rigshospitalet, Copenhagen University Hospital
Classification: Benign. Last evaluated: 2025-03-04. Review status: criteria provided, single submitter. Criteria: ACMG Guidelines, 2015. Collection method: clinical testing. Allele origin: germline. Not counted in ClinVar's aggregate classification.

Blueprint Genetics
Classification: Benign. Last evaluated: 2024-11-25. Review status: criteria provided, single submitter. Criteria: ACMG Guidelines, 2015. Collection method: clinical testing. Allele origin: germline. Not counted in ClinVar's aggregate classification.

KCCC/NGS Laboratory, Kuwait Cancer Control Center
Classification: Benign for Breast-ovarian cancer, familial, susceptibility to, 1. Last evaluated: 2023-07-07. Review status: criteria provided, single submitter. Criteria: ACMG Guidelines, 2015. Collection method: clinical testing. Allele origin: germline. Affected: yes. Not counted in ClinVar's aggregate classification.

Mayo Clinic Laboratories, Mayo Clinic
Classification: Benign. Last evaluated: 2022-11-25. Review status: criteria provided, single submitter. Criteria: ACMG Guidelines, 2015. Collection method: clinical testing. Allele origin: germline. Observed: 13 variant alleles. Not counted in ClinVar's aggregate classification.
Comment: BS1, BS3, BP6

National Health Laboratory Service, Universitas Academic Hospital and University of the Free State
Classification: Benign for Hereditary breast ovarian cancer syndrome. Last evaluated: 2022-04-19. Review status: criteria provided, single submitter. Criteria: ACMG Guidelines, 2015. Collection method: clinical testing. Allele origin: germline. Affected: yes. Observed: 55 variant alleles. Not counted in ClinVar's aggregate classification.

Fulgent Genetics
Classification: Benign for Familial cancer of breast; Breast-ovarian cancer, familial, susceptibility to, 1; Pancreatic cancer, susceptibility to, 4; Fanconi anemia, complementation group S. Last evaluated: 2022-03-10. Review status: criteria provided, single submitter. Criteria: ACMG Guidelines, 2015. Collection method: clinical testing. Allele origin: unknown. Not counted in ClinVar's aggregate classification.

Genetics Program, Instituto Nacional de Cancer
Classification: Benign for Hereditary breast ovarian cancer syndrome. Last evaluated: 2021-11-01. Review status: criteria provided, single submitter. Criteria: ACMG Guidelines, 2015. Collection method: research. Allele origin: germline. Affected: yes. Not counted in ClinVar's aggregate classification.

Quest Diagnostics Nichols Institute San Juan Capistrano
Classification: Benign. Last evaluated: 2020-06-14. Review status: criteria provided, single submitter. Criteria: Quest Diagnostics criteria. Collection method: clinical testing. Allele origin: unknown. Not counted in ClinVar's aggregate classification.

Sema4
Classification: Benign for Hereditary cancer-predisposing syndrome. Last evaluated: 2020-05-21. Review status: criteria provided, single submitter. Criteria: Sema4 Curation Guidelines. Collection method: curation. Allele origin: germline. Not counted in ClinVar's aggregate classification.

PreventionGenetics, part of Exact Sciences
Classification: Benign. Last evaluated: 2017-07-19. Review status: criteria provided, single submitter. Criteria: ACMG Guidelines, 2015. Collection method: clinical testing. Allele origin: germline. Not counted in ClinVar's aggregate classification.

Baylor Genetics
Classification: Benign for Familial cancer of breast. Last evaluated: 2017-02-23. Review status: criteria provided, single submitter. Criteria: ACMG Guidelines, 2015. Collection method: clinical testing. Allele origin: germline. Inheritance: Autosomal dominant inheritance. Affected: no. Not counted in ClinVar's aggregate classification.

Molecular Genetics Laboratory, University of Michigan
Classification: Benign for Breast-ovarian cancer, familial, susceptibility to, 1. Last evaluated: 2016-04-21. Review status: criteria provided, single submitter. Criteria: ACMG Guidelines, 2015. Collection method: clinical testing. Allele origin: germline. Affected: yes. Not counted in ClinVar's aggregate classification.

Eurofins Ntd Llc (ga)
Classification: Benign. Last evaluated: 2015-07-08. Review status: criteria provided, single submitter. Criteria: EGL Classification Definitions 2015. Collection method: clinical testing. Allele origin: germline. Observed: 6 variant alleles, 6 heterozygotes. Not counted in ClinVar's aggregate classification.

Color Diagnostics, LLC DBA Color Health
Classification: Benign for Hereditary cancer-predisposing syndrome. Last evaluated: 2014-12-06. Review status: criteria provided, single submitter. Criteria: ACMG Guidelines, 2015. Collection method: clinical testing. Allele origin: germline. Not counted in ClinVar's aggregate classification.

Ambry Genetics
Classification: Benign for Hereditary cancer-predisposing syndrome. Last evaluated: 2014-11-18. Review status: criteria provided, single submitter. Criteria: Ambry Variant Classification Scheme 2023. Collection method: clinical testing. Allele origin: germline. Not counted in ClinVar's aggregate classification.

Women's Health and Genetics/Laboratory Corporation of America, LabCorp
Classification: Benign for Hereditary breast ovarian cancer syndrome. Last evaluated: 2014-04-07. Review status: criteria provided, single submitter. Criteria: LabCorp Variant Classification Summary - May 2015. Collection method: clinical testing. Allele origin: germline. Not counted in ClinVar's aggregate classification.

BRCAlab, Lund University
Classification: Benign for Breast-ovarian cancer, familial, susceptibility to, 1. Last evaluated: 2020-03-02. Review status: no assertion criteria provided. Collection method: clinical testing. Allele origin: germline. Affected: yes. Not counted in ClinVar's aggregate classification.

Pathway Genomics
Classification: Likely benign for Breast-ovarian cancer, familial 1. Last evaluated: 2014-07-24. Review status: no assertion criteria provided. Collection method: clinical testing. Allele origin: germline. Not counted in ClinVar's aggregate classification.

Counsyl
Classification: Benign for Breast-ovarian cancer, familial 1. Last evaluated: 2014-01-02. Review status: no assertion criteria provided. Collection method: literature only. Allele origin: unknown. Inheritance: Autosomal dominant inheritance. Not counted in ClinVar's aggregate classification.

Breast Cancer Information Core (BIC) (BRCA1)
Classification: Uncertain significance for Breast-ovarian cancer, familial 1. Last evaluated: 2002-05-29. Review status: no assertion criteria provided. Collection method: clinical testing. Allele origin: germline. Affected: yes. Observed: 15 variant alleles. Not counted in ClinVar's aggregate classification.

NM_007294.4(BRCA1):c.5468-10C>A

Gene: BRCA1 (BRCA1 DNA repair associated; minus strand). Cytogenetic location: 17q21.31.
Variant type: single nucleotide variant.
Coding change: c.5468-10C>A on transcript NM_007294.4 (MANE Select); 10 bases into the intron before coding-DNA position 5468, C replaced by A.
Molecular consequence: intron variant.
Genome position (GRCh38, 1-based): chr17:43,045,812, G>T on the plus strand (C>A on the coding strand, the complement: BRCA1 is on the minus strand). VCF-style: chr17-43045812-G-T. GRCh37 (hg19) VCF-style: chr17-41197829-G-T.
Other names: IVS23-10C>A; IVS 23-10C>A; p.?; c.5531-10C>A (NM_007300.3, NM_001407585.1, NM_007300.4 and 2 more transcripts); c.5324-10C>A (NM_001407748.1, NM_001407752.1, NM_001407734.1 and 18 more transcripts); c.1895-10C>A (NM_001408500.1, NM_001408497.1, NM_001408496.1 and 3 more transcripts); c.5204-10C>A (NM_001407921.1, NM_001407926.1, NM_001407924.1 and 4 more transcripts); c.2015-10C>A (NM_001408466.1, NM_001408460.1, NM_001408465.1 and 7 more transcripts); and 86 more.
Identifiers: ClinVar variation 55589 (VCV000055589.117), dbSNP rs8176316, ClinGen allele CA003620.